The following is an entry in ClinVar:

ClinVar aggregate classification (germline): Uncertain significance. Review status: criteria provided, multiple submitters, no conflicts (2 of 4 stars). 2 submissions from 2 submitters: Uncertain significance (2). Last evaluated 2025-01-21.

Conditions:
Inborn genetic diseases. Identifiers: MedGen C0950123, MeSH D030342.
Stormorken syndrome (STRMK). Also called: THROMBOCYTOPATHY, ASPLENIA, AND MIOSIS. Identifiers: Orphanet 3204, MedGen C1861451, MONDO:0008497, OMIM 185070.
Combined immunodeficiency due to STIM1 deficiency. Also called: STIM1 DEFICIENCY; IMMUNODEFICIENCY 10. Identifiers: Orphanet 169090, Orphanet 317430, MedGen C2748557, MONDO:0013008, OMIM 612783.
Myopathy with tubular aggregates (TAM). Also called: Tubular Aggregate Myopathy. Identifiers: Orphanet 2593, MedGen C0410207, MONDO:0008051.

Allele frequency attached by ClinVar (database versions not stated): gnomAD exomes below 0.00001; gnomAD 0.00001; TOPMed 0.00002.
gnomAD v4.1: 2 of 1,614,088 alleles (0.00012%); highest among the groups gnomAD compares: Admixed American, 0.0017%; no homozygotes.

Submissions (2):

Ambry Genetics
Classification: Uncertain significance for Inborn genetic diseases. Last evaluated: 2025-01-21. Review status: criteria provided, single submitter. Criteria: Ambry Variant Classification Scheme 2023. Collection method: clinical testing. Allele origin: germline.

Labcorp Genetics (formerly Invitae), Labcorp
Classification: Uncertain significance for Myopathy with tubular aggregates; Combined immunodeficiency due to STIM1 deficiency; Stormorken syndrome. Last evaluated: 2024-07-29. Review status: criteria provided, single submitter. Criteria: Invitae Variant Classification Sherloc (09022015). Collection method: clinical testing. Allele origin: germline.
Comment: This sequence change replaces valine, which is neutral and non-polar, with methionine, which is neutral and non-polar, at codon 224 of the STIM1 protein (p.Val224Met). This variant is not present in population databases (gnomAD no frequency). This variant has not been reported in the literature in individuals affected with STIM1-related conditions. ClinVar contains an entry for this variant (Variation ID: 940014). Advanced modeling of protein sequence and biophysical properties (such as structural, functional, and spatial information, amino acid conservation, physicochemical variation, residue mobility, and thermodynamic stability) performed at Invitae indicates that this missense variant is not expected to disrupt STIM1 protein function with a negative predictive value of 80%. In summary, the available evidence is currently insufficient to determine the role of this variant in disease. Therefore, it has been classified as a Variant of Uncertain Significance.

NM_001382567.1(STIM1):c.670G>A (p.Val224Met)

Gene: STIM1 (stromal interaction molecule 1; plus strand). Cytogenetic location: 11p15.4.
Variant type: single nucleotide variant.
Coding change: c.670G>A on transcript NM_001382567.1 (MANE Select); coding-DNA position 670, G replaced by A.
Protein change: p.Val224Met; replaces valine 224 with methionine.
Molecular consequence: missense variant. On other transcripts: non-coding transcript variant (2).
Genome position (GRCh38, 1-based): chr11:4,070,082, G>A. VCF-style: chr11-4070082-G-A. GRCh37 (hg19) VCF-style: chr11-4091312-G-A.
Other names: c.670G>A, p.Val224Met (NM_001277961.3, NM_001277962.2, NM_001382568.1 and 2 more transcripts); c.448G>A, p.Val150Met (NM_001382566.1, NM_001382573.1, NM_001382574.1 and 5 more transcripts); c.535G>A, p.Val179Met (NM_001382569.1); c.442G>A, p.Val148Met (NM_001382570.1); c.190G>A, p.Val64Met (NM_001382571.1); c.181G>A, p.Val61Met (NM_001382580.1, NM_001382581.1); short protein forms V224M, V150M, V61M, V148M, V179M, V64M.
Identifiers: ClinVar variation 940014 (VCV000940014.11), dbSNP rs1159817252, ClinGen allele CA379486071.